The following is an entry in ClinVar:

ClinVar aggregate classification (germline): Pathogenic. Review status: criteria provided, single submitter (1 of 4 stars). 2 submissions from 2 submitters: Pathogenic (1). 1 of the submissions does not count toward it. Last evaluated 2022-03-02.

Conditions:
Primary hyperoxaluria, type I (HP1). Also called: GLYCOLIC ACIDURIA; HEPATIC AGT DEFICIENCY; OXALOSIS I; Primary hyperoxaluria type 1. Identifiers: Orphanet 416, Orphanet 93598, MedGen C0268164, MONDO:0009823, OMIM 259900. Disease mechanism: loss of function.

Allele frequency attached by ClinVar (database versions not stated): gnomAD exomes 0.00001 and below 0.00001; ExAC 0.00001.
gnomAD v4.1: 16 of 1,613,524 alleles (0.00099%); highest among the groups gnomAD compares: Non-Finnish European, 0.0014%; no homozygotes.

Submissions (2):

Labcorp Genetics (formerly Invitae), Labcorp
Classification: Pathogenic. Last evaluated: 2022-03-02. Review status: criteria provided, single submitter. Criteria: Invitae Variant Classification Sherloc (09022015). Collection method: clinical testing. Allele origin: germline.
Comment: For these reasons, this variant has been classified as Pathogenic. Experimental studies have shown that this missense change affects AGXT function (PMID: 17495019, 22923379, 24718375). Advanced modeling of protein sequence and biophysical properties (such as structural, functional, and spatial information, amino acid conservation, physicochemical variation, residue mobility, and thermodynamic stability) performed at Invitae indicates that this missense variant is expected to disrupt AGXT protein function. ClinVar contains an entry for this variant (Variation ID: 204126). This missense change has been observed in individual(s) with Primary Hyperoxaluria Type 1 (PMID: 15849466, 17495019). This variant is present in population databases (rs180177264, gnomAD 0.0009%). This sequence change replaces cysteine, which is neutral and slightly polar, with arginine, which is basic and polar, at codon 253 of the AGXT protein (p.Cys253Arg).

Clinical Biochemistry Laboratory, Health Services Laboratory
Classification: Pathogenic for Primary hyperoxaluria, type I. Last evaluated: 2014-11-27. Review status: no assertion criteria provided. Collection method: in vitro. Allele origin: germline. Affected: yes. Not counted in ClinVar's aggregate classification.

Literature cited by the submitters: PubMed 17495019 (cited by Labcorp Genetics (formerly Invitae), Labcorp and Clinical Biochemistry Laboratory, Health Services Laboratory); PubMed 22923379 (cited by Labcorp Genetics (formerly Invitae), Labcorp); PubMed 24718375 (cited by Labcorp Genetics (formerly Invitae), Labcorp and Clinical Biochemistry Laboratory, Health Services Laboratory); PubMed 15849466 (cited by Labcorp Genetics (formerly Invitae), Labcorp and Clinical Biochemistry Laboratory, Health Services Laboratory).

NM_000030.3(AGXT):c.757T>C (p.Cys253Arg)

Gene: AGXT (alanine--glyoxylate aminotransferase; plus strand). Cytogenetic location: 2q37.3.
Variant type: single nucleotide variant.
Coding change: c.757T>C on transcript NM_000030.3 (MANE Select); coding-DNA position 757, T replaced by C.
Protein change: p.Cys253Arg; replaces cysteine 253 with arginine.
Molecular consequence: missense variant.
Genome position (GRCh38, 1-based): chr2:240,875,185, T>C. VCF-style: chr2-240875185-T-C. GRCh37 (hg19) VCF-style: chr2-241814602-T-C.
Other names: short protein forms C253R.
Identifiers: ClinVar variation 204126 (VCV000204126.10), dbSNP rs180177264, ClinGen allele CA275736.